The following is an entry in ClinVar:

NM_000057.4(BLM):c.3863G>A (p.Trp1288Ter)

Gene: BLM (BLM RecQ like helicase; plus strand). Cytogenetic location: 15q26.1.
Variant type: single nucleotide variant.
Coding change: c.3863G>A on transcript NM_000057.4 (MANE Select); coding-DNA position 3863, G replaced by A.
Protein change: p.Trp1288Ter; replaces tryptophan 1288 with a stop codon.
Molecular consequence: nonsense.
Genome position (GRCh38, 1-based): chr15:90,809,248, G>A. VCF-style: chr15-90809248-G-A. GRCh37 (hg19) VCF-style: chr15-91352478-G-A.
Other names: c.3863G>A (NM_000057.2); c.3863G>A, p.Trp1288Ter (NM_001287246.2); c.3470G>A, p.Trp1157Ter (NM_001287247.2); c.2738G>A, p.Trp913Ter (NM_001287248.2); short protein forms W913*, W1157*, W1288*.
Identifiers: ClinVar variation 1409946 (VCV001409946.9), dbSNP rs2151198389, ClinGen allele CA393849828.

ClinVar aggregate classification (germline): Pathogenic/Likely pathogenic. Review status: criteria provided, multiple submitters, no conflicts (2 of 4 stars). 4 submissions from 4 submitters: Pathogenic (3); Likely pathogenic (1). Last evaluated 2025-11-26.

Conditions:
Bloom syndrome (BLM). Also called: Bloom-Torre-Machacek syndrome. Identifiers: Orphanet 125, MedGen C0005859, MONDO:0008876, OMIM 210900.
Hereditary cancer-predisposing syndrome. Also called: Hereditary Cancer Syndrome; Tumor predisposition; Hereditary neoplastic syndrome; Neoplastic Syndromes, Hereditary. Identifiers: Orphanet 140162, MedGen C0027672, MeSH D009386, MONDO:0015356.

gnomAD v4.1: 3 of 1,614,198 alleles (0.00019%); highest among the groups gnomAD compares: Non-Finnish European, 0.00025%; no homozygotes.

Submissions (4):

Myriad Genetics, Inc.
Classification: Pathogenic for Bloom syndrome. Last evaluated: 2025-11-26. Review status: criteria provided, single submitter. Criteria: Myriad Autosomal Dominant, Autosomal Recessive and X-Linked Classification Criteria (2023). Collection method: clinical testing. Allele origin: unknown.
Comment: This variant is considered pathogenic. This variant creates a termination codon and is predicted to result in premature protein truncation.

Ambry Genetics
Classification: Pathogenic for Hereditary cancer-predisposing syndrome. Last evaluated: 2024-12-03. Review status: criteria provided, single submitter. Criteria: Ambry Variant Classification Scheme 2023. Collection method: clinical testing. Allele origin: germline.
Comment: The p.W1288* pathogenic mutation (also known as c.3863G>A), located in coding exon 19 of the BLM gene, results from a G to A substitution at nucleotide position 3863. This changes the amino acid from a tryptophan to a stop codon within coding exon 19. This variant is considered to be rare based on population cohorts in the Genome Aggregation Database (gnomAD). This alteration is expected to result in loss of function by premature protein truncation or nonsense-mediated mRNA decay. As such, this alteration is interpreted as a disease-causing mutation.

Baylor Genetics
Classification: Likely pathogenic for Bloom syndrome. Last evaluated: 2024-03-29. Review status: criteria provided, single submitter. Criteria: ACMG Guidelines, 2015. Collection method: clinical testing. Allele origin: unknown.

Labcorp Genetics (formerly Invitae), Labcorp
Classification: Pathogenic for Bloom syndrome. Last evaluated: 2020-11-06. Review status: criteria provided, single submitter. Criteria: Invitae Variant Classification Sherloc (09022015). Collection method: clinical testing. Allele origin: germline.
Comment: This variant has not been reported in the literature in individuals with BLM-related conditions. This variant is not present in population databases (ExAC no frequency). This sequence change creates a premature translational stop signal (p.Trp1288*) in the BLM gene. It is expected to result in an absent or disrupted protein product. Loss-of-function variants in BLM are known to be pathogenic (PMID: 17407155). Algorithms developed to predict the effect of sequence changes on RNA splicing suggest that this variant may create or strengthen a splice site, but this prediction has not been confirmed by published transcriptional studies. For these reasons, this variant has been classified as Pathogenic.

Literature cited by the submitters: PubMed 17407155 (cited by Labcorp Genetics (formerly Invitae), Labcorp).